The following is an entry in ClinVar:

NM_139276.3(STAT3):c.861G>C (p.Leu287Phe)

Gene: STAT3 (signal transducer and activator of transcription 3; minus strand). Cytogenetic location: 17q21.2.
Variant type: single nucleotide variant.
Coding change: c.861G>C on transcript NM_139276.3 (MANE Select); coding-DNA position 861, G replaced by C.
Protein change: p.Leu287Phe; replaces leucine 287 with phenylalanine.
Molecular consequence: missense variant.
Genome position (GRCh38, 1-based): chr17:42,333,986, C>G on the plus strand (G>C on the coding strand, the complement: STAT3 is on the minus strand). VCF-style: chr17-42333986-C-G. GRCh37 (hg19) VCF-style: chr17-40486004-C-G.
Other names: c.861G>C, p.Leu287Phe (NM_001369512.1, NM_001369513.1, NM_001369514.1 and 15 more transcripts); c.783G>C, p.Leu261Phe (NM_001384985.1); c.765G>C, p.Leu255Phe (NM_001384989.1); short protein forms L255F, L287F, L261F.
Identifiers: ClinVar variation 4782696 (VCV004782696.1).
Genomic context (GRCh38, chr17:42,333,986, plus strand): 5'-CTCCTCCAGCATCGGCCGGTGCTGTACAATGGGGTCCCCTTTGTAGGAAACTTTTTGCTG[C>G]AACTCCTCCAGTTTCTTAATTTGTTGACGGGTCTGAAGTTGAGATTCTGCTAATGACGTT-3'
Protein context (NP_644805.1, residues 277-297): TRQQIKKLEE[Leu287Phe]QQKVSYKGDP

ClinVar aggregate classification (germline): Uncertain significance (1 of 4 stars; one submission).

Conditions:
STAT3 gain of function. Identifiers: MedGen C4288261.
Hyper-IgE recurrent infection syndrome 1, autosomal dominant. Also called: JOB SYNDROME; Job's Syndrome; STAT3 Hyper IgE Syndrome; Hyper-IgE recurrent infection syndrome 1; HYPER-IgE SYNDROME 1, AUTOSOMAL DOMINANT, WITH RECURRENT INFECTIONS. Identifiers: Orphanet 2314, MedGen C2936739, MONDO:0007818, OMIM 147060.

Submission:

Labcorp Genetics (formerly Invitae), Labcorp
Classification: Uncertain significance for STAT3 gain of function; Hyper-IgE recurrent infection syndrome 1, autosomal dominant. Last evaluated: 2025-08-31. Review status: criteria provided, single submitter. Criteria: Invitae Variant Classification Sherloc (09022015). Collection method: clinical testing. Allele origin: germline.
Comment: This sequence change replaces leucine, which is neutral and non-polar, with phenylalanine, which is neutral and non-polar, at codon 287 of the STAT3 protein (p.Leu287Phe). This variant is not present in population databases (gnomAD no frequency). This variant has not been reported in the literature in individuals affected with STAT3-related conditions. Invitae Evidence Modeling of protein sequence and biophysical properties (such as structural, functional, and spatial information, amino acid conservation, physicochemical variation, residue mobility, and thermodynamic stability) indicates that this missense variant is expected to disrupt STAT3 protein function with a positive predictive value of 80%. In summary, the available evidence is currently insufficient to determine the role of this variant in disease. Therefore, it has been classified as a Variant of Uncertain Significance.